The following is an entry in ClinVar:

NM_001329943.3(KIAA0586):c.4388G>A (p.Arg1463His)

Gene: KIAA0586 (KIAA0586; plus strand). Cytogenetic location: 14q23.1.
Variant type: single nucleotide variant.
Coding change: c.4388G>A on transcript NM_001329943.3 (MANE Select); coding-DNA position 4388, G replaced by A.
Protein change: p.Arg1463His; replaces arginine 1463 with histidine.
Molecular consequence: missense variant.
Genome position (GRCh38, 1-based): chr14:58,512,586, G>A. VCF-style: chr14-58512586-G-A. GRCh37 (hg19) VCF-style: chr14-58979304-G-A.
Other names: c.4547G>A, p.Arg1516His (NM_001244189.2); c.4343G>A, p.Arg1448His (NM_001244190.2); c.4133G>A, p.Arg1378His (NM_001244191.2, NM_001329945.2, NM_001364700.1 and 1 more transcripts); c.4256G>A, p.Arg1419His (NM_001244192.2, NM_001329947.2); c.3968G>A, p.Arg1323His (NM_001244193.2); c.4388G>A, p.Arg1463His (NM_001329944.2, NM_001329946.2); c.4160G>A, p.Arg1387His (NM_014749.5); c.4160G>A (NM_014749.3); short protein forms R1323H, R1378H, R1387H, R1419H, R1448H, R1463H, R1516H.
Identifiers: ClinVar variation 3390667 (VCV003390667.2).

ClinVar aggregate classification (germline): Conflicting classifications of pathogenicity. Review status: criteria provided, conflicting classifications (1 of 4 stars). 2 submissions from 2 submitters: Uncertain significance (1); Likely benign (1). Last evaluated 2025-11-20.

Conditions:
Inborn genetic diseases. Identifiers: MedGen C0950123, MeSH D030342.

gnomAD v4.1: 14 of 1,540,796 alleles (0.00091%); highest among the groups gnomAD compares: East Asian, 0.0025%; no homozygotes.

Submissions (2):

Ambry Genetics
Classification: Likely benign for Inborn genetic diseases. Last evaluated: 2025-11-20. Review status: criteria provided, single submitter. Criteria: Ambry Variant Classification Scheme 2023. Collection method: clinical testing. Allele origin: germline.

GeneDx
Classification: Uncertain significance. Last evaluated: 2024-06-14. Review status: criteria provided, single submitter. Criteria: GeneDx Variant Classification Process June 2021. Collection method: clinical testing. Allele origin: germline. Affected: yes.
Comment: Not observed at significant frequency in large population cohorts (gnomAD); In silico analysis indicates that this missense variant does not alter protein structure/function; Has not been previously published as pathogenic or benign to our knowledge; In silico analysis is inconclusive as to whether the variant alters gene splicing. In the absence of RNA/functional studies, the actual effect of this sequence change is unknown